The following is an entry in ClinVar:

NM_000088.4(COL1A1):c.2810C>A (p.Pro937His)

Gene: COL1A1 (collagen type I alpha 1 chain; minus strand). Cytogenetic location: 17q21.33.
Variant type: single nucleotide variant.
Coding change: c.2810C>A on transcript NM_000088.4 (MANE Select); coding-DNA position 2810, C replaced by A.
Protein change: p.Pro937His; replaces proline 937 with histidine.
Molecular consequence: missense variant.
Genome position (GRCh38, 1-based): chr17:50,189,396, G>T on the plus strand (C>A on the coding strand, the complement: COL1A1 is on the minus strand). VCF-style: chr17-50189396-G-T. GRCh37 (hg19) VCF-style: chr17-48266757-G-T.
Other names: short protein forms P937H.
Identifiers: ClinVar variation 456760 (VCV000456760.9), dbSNP rs1555572447, ClinGen allele CA400205482.
Genomic context (GRCh38, chr17:50,189,396, plus strand): 5'-TGCACACCTCCGGAGCTGCAGAGATCTGAGCTGGCACTTACAGCAGGACCATCAGCACCA[G>T]GGGATCCTTTCTCGCCAGCAGGGCCAGGGGGACCAGGGGGACCAACTTCACCAGGACGTC-3'
Protein context (NP_000079.2, residues 927-947): PPGPAGEKGS[Pro937His]GADGPAGAPG

ClinVar aggregate classification (germline): Uncertain significance (1 of 4 stars; one submission).

Conditions:
Osteogenesis imperfecta type I (OI1). Also called: OI, TYPE I; OSTEOGENESIS IMPERFECTA TARDA; OSTEOGENESIS IMPERFECTA WITH BLUE SCLERAE; Osteogenesis imperfecta type 1; Lobstein's Disease; Lobstein disease. Identifiers: Orphanet 216796, Orphanet 666, MedGen C0023931, MONDO:0008146, OMIM 166200. Disease mechanism: loss of function.

Submission:

Labcorp Genetics (formerly Invitae), Labcorp
Classification: Uncertain significance for Osteogenesis imperfecta type I. Last evaluated: 2022-10-07. Review status: criteria provided, single submitter. Criteria: Invitae Variant Classification Sherloc (09022015). Collection method: clinical testing. Allele origin: germline.
Comment: This sequence change replaces proline, which is neutral and non-polar, with histidine, which is basic and polar, at codon 937 of the COL1A1 protein (p.Pro937His). This variant is not present in population databases (gnomAD no frequency). This variant has not been reported in the literature in individuals affected with COL1A1-related conditions. This missense change has been observed to co-occur in individuals with a different variant in COL1A1 that has been determined to be pathogenic (Invitae), but the significance of this finding is unclear. ClinVar contains an entry for this variant (Variation ID: 456760). Advanced modeling of protein sequence and biophysical properties (such as structural, functional, and spatial information, amino acid conservation, physicochemical variation, residue mobility, and thermodynamic stability) performed at Invitae indicates that this missense variant is expected to disrupt COL1A1 protein function. In summary, the available evidence is currently insufficient to determine the role of this variant in disease. Therefore, it has been classified as a Variant of Uncertain Significance.